The following is an entry in ClinVar:

ClinVar aggregate classification (germline): Uncertain significance (1 of 4 stars; one submission).

Conditions:
Autosomal dominant limb-girdle muscular dystrophy type 1G (LGMDD3). Also called: Limb-girdle muscular dystrophy, type 1G; MUSCULAR DYSTROPHY, LIMB-GIRDLE, AUTOSOMAL DOMINANT 3. Identifiers: Orphanet 55596, MedGen C1836765, MONDO:0012193, OMIM 609115.

Submission:

Labcorp Genetics (formerly Invitae), Labcorp
Classification: Uncertain significance for Autosomal dominant limb-girdle muscular dystrophy type 1G. Last evaluated: 2024-07-12. Review status: criteria provided, single submitter. Criteria: Invitae Variant Classification Sherloc (09022015). Collection method: clinical testing. Allele origin: germline.
Comment: This sequence change replaces proline, which is neutral and non-polar, with arginine, which is basic and polar, at codon 35 of the HNRNPDL protein (p.Pro35Arg). This variant is not present in population databases (gnomAD no frequency). This variant has not been reported in the literature in individuals affected with HNRNPDL-related conditions. An algorithm developed to predict the effect of missense changes on protein structure and function (PolyPhen-2) suggests that this variant is likely to be disruptive. In summary, the available evidence is currently insufficient to determine the role of this variant in disease. Therefore, it has been classified as a Variant of Uncertain Significance.

NM_031372.4(HNRNPDL):c.104C>G (p.Pro35Arg)

Gene: HNRNPDL (heterogeneous nuclear ribonucleoprotein D like; minus strand). Cytogenetic location: 4q21.22.
Variant type: single nucleotide variant.
Coding change: c.104C>G on transcript NM_031372.4 (MANE Select); coding-DNA position 104, C replaced by G.
Protein change: p.Pro35Arg; replaces proline 35 with arginine.
Molecular consequence: missense variant. On other transcripts: non-coding transcript variant (1).
Genome position (GRCh38, 1-based): chr4:82,429,587, G>C on the plus strand (C>G on the coding strand, the complement: HNRNPDL is on the minus strand). VCF-style: chr4-82429587-G-C. GRCh37 (hg19) VCF-style: chr4-83350740-G-C.
Other names: c.104C>G, p.Pro35Arg (NM_001207000.1); short protein forms P35R.
Identifiers: ClinVar variation 3658796 (VCV003658796.2).
Genomic context (GRCh38, chr4:82,429,587, plus strand): 5'-CGCGCCCCCTGCCGGGCGGAGCTGGGAGCGAGCGAAGGGAGGAGCGGGGCTAGCTGCCGC[G>C]GCGGCCGCGGCCGCCAATGGGAGAGGCTGCGGGAGGCTAAAGTAGCGGGAGCGGAGGGGA-3'
Protein context (NP_112740.1, residues 25-45): RSLSHWRPRP[Pro35Arg]RQLAPLLPSL